The following is an entry in ClinVar:

NM_001458.5(FLNC):c.2228_2230del (p.Ser743del)

Gene: FLNC (filamin C; plus strand). Cytogenetic location: 7q32.1.
Variant type: Deletion.
Coding change: c.2228_2230del on transcript NM_001458.5 (MANE Select); coding-DNA positions 2228 to 2230, 3 bases deleted (CCT; older notation c.2228_2230delCCT).
Protein change: p.Ser743del; deletes serine 743.
Molecular consequence: inframe deletion.
Genome position (GRCh38, 1-based): chr7:128,842,337-128,842,339, CCT deleted; deleting any 3 consecutive bases within chr7:128,842,335-128,842,339 gives the same sequence; the c. name uses the placement nearest the transcript's 3' end. VCF-style (leftmost placement, unchanged base first): chr7-128842334-TCTC-T. GRCh37 (hg19) VCF-style: chr7-128482388-TCTC-T.
Other names: c.2228_2230del, p.Ser743del (NM_001127487.2); short protein forms S743del.
Identifiers: ClinVar variation 1480114 (VCV001480114.8), dbSNP rs2128935577, ClinGen allele CA2573141712.

ClinVar aggregate classification (germline): Uncertain significance (1 of 4 stars; one submission).

Conditions:
Myofibrillar myopathy 5. Also called: Filaminopathy (type); FILAMINOPATHY, AUTOSOMAL DOMINANT. Identifiers: Orphanet 171445, MedGen C1836050, MONDO:0012289, OMIM 609524.
Distal myopathy with posterior leg and anterior hand involvement. Also called: WILLIAMS DISTAL MYOPATHY. Identifiers: Orphanet 63273, MedGen C3279722, MONDO:0013550, OMIM 614065.
Hypertrophic cardiomyopathy 26. Also called: Cardiomyopathy, familial hypertrophic, 26. Identifiers: Orphanet 75249, MedGen C4310749, MONDO:0014883, OMIM 617047.

Submission:

Labcorp Genetics (formerly Invitae), Labcorp
Classification: Uncertain significance for Distal myopathy with posterior leg and anterior hand involvement; Myofibrillar myopathy 5; Hypertrophic cardiomyopathy 26. Last evaluated: 2020-10-30. Review status: criteria provided, single submitter. Criteria: Invitae Variant Classification Sherloc (09022015). Collection method: clinical testing. Allele origin: germline.
Comment: In summary, the available evidence is currently insufficient to determine the role of this variant in disease. Therefore, it has been classified as a Variant of Uncertain Significance. Experimental studies and prediction algorithms are not available or were not evaluated, and the functional significance of this variant is currently unknown. This variant has not been reported in the literature in individuals with FLNC-related conditions. This variant is not present in population databases (ExAC no frequency). This variant, c.2228_2230del, results in the deletion of 1 amino acid(s) of the FLNC protein (p.Ser743del), but otherwise preserves the integrity of the reading frame.